The following is an entry in ClinVar:

NM_013275.6(ANKRD11):c.3930C>G (p.Asp1310Glu)

Gene: ANKRD11 (ankyrin repeat domain 11; minus strand). Cytogenetic location: 16q24.3.
Variant type: single nucleotide variant.
Coding change: c.3930C>G on transcript NM_013275.6 (MANE Select); coding-DNA position 3930, C replaced by G.
Protein change: p.Asp1310Glu; replaces aspartic acid 1310 with glutamic acid.
Molecular consequence: missense variant.
Genome position (GRCh38, 1-based): chr16:89,282,612, G>C on the plus strand (C>G on the coding strand, the complement: ANKRD11 is on the minus strand). VCF-style: chr16-89282612-G-C. GRCh37 (hg19) VCF-style: chr16-89349020-G-C.
Other names: c.3930C>G (NM_013275.4); c.3930C>G, p.Asp1310Glu (NM_001256182.2, NM_001256183.2); short protein forms D1310E.
Identifiers: ClinVar variation 1253823 (VCV001253823.8), dbSNP rs777949492, ClinGen allele CA8242255.
Genomic context (GRCh38, chr16:89,282,612, plus strand): 5'-TCCAGGTGGCTCCGTGAAAGAGACCTCCAGGAAGGCAGTCAGCCCCGGCTCCTGCCCTCG[G>C]TCCGTGAAGCTGTCAGAGGAGACCTCGCTGATTTTATCGTTGGAGTCTTCTCTGTACTCA-3'
Protein context (NP_037407.4, residues 1300-1320): ISEVSSDSFT[Asp1310Glu]RGQEPGLTAF

ClinVar aggregate classification (germline): Conflicting classifications of pathogenicity. Review status: criteria provided, conflicting classifications (1 of 4 stars). 3 submissions from 3 submitters: Uncertain significance (1); Likely benign (2). Last evaluated 2026-06-22.

Conditions:
KBG syndrome (KBGS). Also called: ANKRD11-Related KBG Syndrome. Identifiers: Orphanet 2332, MedGen C0220687, MONDO:0007846, OMIM 148050.
Inborn genetic diseases. Identifiers: MedGen C0950123, MeSH D030342.

Allele frequency attached by ClinVar (database versions not stated): gnomAD exomes 0.00002; ExAC 0.00001; TOPMed 0.00002; gnomAD 0.00001.
gnomAD v4.1: 9 of 1,614,058 alleles (0.00056%); highest among the groups gnomAD compares: Admixed American, 0.015%; no homozygotes.

Submissions (3):

Ambry Genetics
Classification: Likely benign for Inborn genetic diseases. Last evaluated: 2026-06-22. Review status: criteria provided, single submitter. Criteria: Ambry Variant Classification Scheme 2023. Collection method: clinical testing. Allele origin: germline.

Labcorp Genetics (formerly Invitae), Labcorp
Classification: Uncertain significance for KBG syndrome. Last evaluated: 2025-10-28. Review status: criteria provided, single submitter. Criteria: Invitae Variant Classification Sherloc (09022015). Collection method: clinical testing. Allele origin: germline.
Comment: This sequence change replaces aspartic acid, which is acidic and polar, with glutamic acid, which is acidic and polar, at codon 1310 of the ANKRD11 protein (p.Asp1310Glu). This variant is present in population databases (rs777949492, gnomAD 0.02%). This variant has not been reported in the literature in individuals affected with ANKRD11-related conditions. ClinVar contains an entry for this variant (Variation ID: 1253823). Invitae Evidence Modeling of protein sequence and biophysical properties (such as structural, functional, and spatial information, amino acid conservation, physicochemical variation, residue mobility, and thermodynamic stability) indicates that this missense variant is not expected to disrupt ANKRD11 protein function with a negative predictive value of 95%. In summary, the available evidence is currently insufficient to determine the role of this variant in disease. Therefore, it has been classified as a Variant of Uncertain Significance.

GeneDx
Classification: Likely benign. Last evaluated: 2020-10-28. Review status: criteria provided, single submitter. Criteria: GeneDx Variant Classification Process June 2021. Collection method: clinical testing. Allele origin: germline. Affected: yes.